The following is an entry in ClinVar:

NM_001365951.3(KIF1B):c.1308G>T (p.Met436Ile)

Gene: KIF1B (kinesin family member 1B; plus strand). Cytogenetic location: 1p36.22.
Variant type: single nucleotide variant.
Coding change: c.1308G>T on transcript NM_001365951.3 (MANE Select); coding-DNA position 1308, G replaced by T.
Protein change: p.Met436Ile; replaces methionine 436 with isoleucine.
Molecular consequence: missense variant.
Genome position (GRCh38, 1-based): chr1:10,282,407, G>T. VCF-style: chr1-10282407-G-T. GRCh37 (hg19) VCF-style: chr1-10342465-G-T.
Other names: c.1308G>T, p.Met436Ile (NM_001365952.1); c.1170G>T, p.Met390Ile (NM_001365953.1, NM_015074.3, NM_183416.4); short protein forms M390I, M436I.
Identifiers: ClinVar variation 2413350 (VCV002413350.9), dbSNP rs2521255652, ClinGen allele CA338336140.

ClinVar aggregate classification (germline): Uncertain significance. Review status: criteria provided, multiple submitters, no conflicts (2 of 4 stars). 2 submissions from 2 submitters: Uncertain significance (2). Last evaluated 2023-04-07.

Conditions:
Charcot-Marie-Tooth disease type 2. Also called: Charcot-Marie-Tooth type 2. Identifiers: Orphanet 64746, MedGen C0270914, MONDO:0018993.

Submissions (2):

Ambry Genetics
Classification: Uncertain significance. Last evaluated: 2023-04-07. Review status: criteria provided, single submitter. Criteria: Ambry Variant Classification Scheme 2023. Collection method: clinical testing. Allele origin: germline.
Comment: The p.M390I variant (also known as c.1170G>T), located in coding exon 12 of the KIF1B gene, results from a G to T substitution at nucleotide position 1170. The methionine at codon 390 is replaced by isoleucine, an amino acid with highly similar properties. This amino acid position is conserved. In addition, this alteration is predicted to be tolerated by in silico analysis. Since supporting evidence is limited at this time, the clinical significance of this alteration remains unclear.

Labcorp Genetics (formerly Invitae), Labcorp
Classification: Uncertain significance for Charcot-Marie-Tooth disease type 2. Last evaluated: 2022-04-18. Review status: criteria provided, single submitter. Criteria: Invitae Variant Classification Sherloc (09022015). Collection method: clinical testing. Allele origin: germline.
Comment: This sequence change replaces methionine, which is neutral and non-polar, with isoleucine, which is neutral and non-polar, at codon 390 of the KIF1B protein (p.Met390Ile). This variant is not present in population databases (gnomAD no frequency). This variant has not been reported in the literature in individuals affected with KIF1B-related conditions. Algorithms developed to predict the effect of missense changes on protein structure and function output the following: SIFT: "Tolerated"; PolyPhen-2: "Benign"; Align-GVGD: "Class C0". The isoleucine amino acid residue is found in multiple mammalian species, which suggests that this missense change does not adversely affect protein function. In summary, the available evidence is currently insufficient to determine the role of this variant in disease. Therefore, it has been classified as a Variant of Uncertain Significance.